The following is an entry in ClinVar:

ClinVar aggregate classification (germline): Uncertain significance (1 of 4 stars; one submission).

Conditions:
Type 2 diabetes mellitus. Also called: Type II diabetes mellitus. Identifiers: MedGen C0011860, MeSH D003924, MONDO:0005148, OMIM 125853, HP:0005978.

Submission:

Juno Genomics, Hangzhou Juno Genomics, Inc
Classification: Uncertain significance for Type 2 diabetes mellitus. Review status: criteria provided, single submitter. Criteria: ACMG Guidelines, 2015. Collection method: clinical testing. Allele origin: germline. Affected: yes.
Comment: Absent from controls (or at extremely low frequency if recessive) in Genome Aggregation Database, Exome Sequencing Project, 1000 Genomes Project, or Exome Aggregation Consortium.;Multiple lines of computational evidence support a deleterious effect on the gene or gene product (conservation, evolutionary, splicing impact, etc).

NM_000236.3(LIPC):c.757G>A (p.Gly253Ser)

Gene: LIPC (lipase C, hepatic type; plus strand). Cytogenetic location: 15q21.3.
Variant type: single nucleotide variant.
Coding change: c.757G>A on transcript NM_000236.3 (MANE Select); coding-DNA position 757, G replaced by A.
Protein change: p.Gly253Ser; replaces glycine 253 with serine.
Molecular consequence: missense variant.
Genome position (GRCh38, 1-based): chr15:58,545,924, G>A. VCF-style: chr15-58545924-G-A. GRCh37 (hg19) VCF-style: chr15-58838123-G-A.
Other names: short protein forms G253S.
Identifiers: ClinVar variation 3381992 (VCV003381992.2).